The following is an entry in ClinVar:

NM_020975.6(RET):c.1904G>A (p.Arg635His)

Gene: RET (ret proto-oncogene; plus strand). Cytogenetic location: 10q11.21.
Variant type: single nucleotide variant.
Coding change: c.1904G>A on transcript NM_020975.6 (MANE Select); coding-DNA position 1904, G replaced by A.
Protein change: p.Arg635His; replaces arginine 635 with histidine.
Molecular consequence: missense variant.
Genome position (GRCh38, 1-based): chr10:43,114,504, G>A. VCF-style: chr10-43114504-G-A. GRCh37 (hg19) VCF-style: chr10-43609952-G-A.
Other names: c.1904G>A (NM_020630.5); c.1616G>A, p.Arg539His (NM_001406770.1, NM_001406766.1, NM_001406767.1); c.1466G>A, p.Arg489His (NM_001406771.1, NM_001406773.1); c.1508G>A, p.Arg503His (NM_001406772.1, NM_001406769.1); c.1379G>A, p.Arg460His (NM_001406774.1); c.1178G>A, p.Arg393His (NM_001406775.1, NM_001406776.1, NM_001406777.1 and 1 more transcripts); c.1007G>A, p.Arg336His (NM_001406779.1, NM_001406780.1, NM_001406781.1 and 1 more transcripts); c.1904G>A, p.Arg635His (NM_000323.2, NM_001406743.1, NM_001406744.1 and 4 more transcripts); and 8 more; short protein forms R635H, R381H, R336H, R393H, R489H, R296H, R503H, R200H.
Identifiers: ClinVar variation 220149 (VCV000220149.17), dbSNP rs776164321, ClinGen allele CA036487.

ClinVar aggregate classification (germline): Uncertain significance. Review status: criteria provided, multiple submitters, no conflicts (2 of 4 stars). 6 submissions from 6 submitters: Uncertain significance (6). Last evaluated 2026-08-06.

Conditions:
Pheochromocytoma. Also called: MAX-Related Hereditary Paraganglioma-Pheochromocytoma Syndrome. Identifiers: Orphanet 29072, MedGen C0031511, MONDO:0008233, OMIM 171300, HP:0002666.
Hirschsprung disease, susceptibility to, 1 (HSCR1). Also called: RET-Related Hirschsprung Disease. Identifiers: Orphanet 388, MedGen C3888239, MONDO:0007723, OMIM 142623.
Familial medullary thyroid carcinoma (MTC). Also called: Thyroid cancer, familial medullary; MTC, familial; Familial Medullary Thyroid Carcinoma (FMTC). Identifiers: Orphanet 653, Orphanet 99361, MedGen C1833921, MONDO:0007958, OMIM 155240.
Multiple endocrine neoplasia type 2B. Also called: WAGENMANN-FROBOESE SYNDROME; MULTIPLE ENDOCRINE NEOPLASIA, TYPE III; MEN 2B; MUCOSAL NEUROMA SYNDROME; MULTIPLE ENDOCRINE NEOPLASIA, TYPE IIB; MEN IIB. Identifiers: Orphanet 247709, Orphanet 653, MedGen C0025269, MeSH D018814, MONDO:0008082, OMIM 162300.
Multiple endocrine neoplasia type 2A. Also called: MULTIPLE ENDOCRINE NEOPLASIA, TYPE IIA; PTC SYNDROME; SIPPLE SYNDROME; MEN 2A; MEN-2A syndrome; Pheochromocytoma and amyloid producing medullary thyroid carcinoma. Identifiers: Orphanet 247698, Orphanet 653, MedGen C0025268, MeSH D018813, MONDO:0008234, OMIM 171400.
Hereditary cancer-predisposing syndrome. Also called: Tumor predisposition; Hereditary neoplastic syndrome; Neoplastic Syndromes, Hereditary; Hereditary Cancer Syndrome. Identifiers: Orphanet 140162, MedGen C0027672, MeSH D009386, MONDO:0015356.
Multiple endocrine neoplasia, type 2 (MEN2). Identifiers: Orphanet 653, MedGen C4048306, MONDO:0019003. Disease mechanism: gain of function.

Allele frequency attached by ClinVar (database versions not stated): gnomAD 0.00001; TOPMed 0.00001; ExAC 0.00003.
gnomAD v4.1: 16 of 1,607,596 alleles (0.001%); highest among the groups gnomAD compares: Admixed American, 0.005%; no homozygotes.

Submissions (6):

OLLIN Analises Genomicas, OLLIN
Classification: Uncertain significance for Hirschsprung disease, susceptibility to, 1. Last evaluated: 2026-08-06. Review status: criteria provided, single submitter. Criteria: ACMG Guidelines 2015 PMID 25741868. Collection method: clinical testing. Allele origin: germline. Inheritance: Autosomal dominant inheritance.
Comment: This missense variant, located in exon 11 (of 20), has been reported in ClinVar (accession VCV000220149.16) and in gnomAD with an allele frequency of 0.001%. However, to our knowledge, it has not been reported in the scientific literature. In silico analysis is inconclusive regarding the impact of this variant. This variant is located in a region considered to be a mutational hotspot. According to the currently available evidence, this variant has been classified as uncertain significance (PM1).

Labcorp Genetics (formerly Invitae), Labcorp
Classification: Uncertain significance for Multiple endocrine neoplasia, type 2. Last evaluated: 2026-01-18. Review status: criteria provided, single submitter. Criteria: Invitae Variant Classification Sherloc (09022015). Collection method: clinical testing. Allele origin: germline.
Comment: This sequence change replaces arginine, which is basic and polar, with histidine, which is basic and polar, at codon 635 of the RET protein (p.Arg635His). This variant is present in population databases (rs776164321, gnomAD 0.006%). This variant has not been reported in the literature in individuals affected with RET-related conditions. ClinVar contains an entry for this variant (Variation ID: 220149). An algorithm developed to predict the effect of missense changes on protein structure and function (PolyPhen-2) suggests that this variant is likely to be disruptive. In summary, the available evidence is currently insufficient to determine the role of this variant in disease. Therefore, it has been classified as a Variant of Uncertain Significance.

Ambry Genetics
Classification: Uncertain significance for Hereditary cancer-predisposing syndrome. Last evaluated: 2025-04-11. Review status: criteria provided, single submitter. Criteria: Ambry Variant Classification Scheme 2023. Collection method: clinical testing. Allele origin: germline.
Comment: The p.R635H variant (also known as c.1904G>A), located in coding exon 11 of the RET gene, results from a G to A substitution at nucleotide position 1904. The arginine at codon 635 is replaced by histidine, an amino acid with highly similar properties. This amino acid position is not well conserved in available vertebrate species. In addition, the in silico prediction for this alteration is inconclusive. Since supporting evidence is limited at this time, the clinical significance of this alteration remains unclear.

All of Us Research Program, National Institutes of Health
Classification: Uncertain significance for Multiple endocrine neoplasia, type 2. Last evaluated: 2024-07-29. Review status: criteria provided, single submitter. Criteria: ACMG Guidelines, 2015. Collection method: clinical testing. Allele origin: germline. Inheritance: Autosomal dominant inheritance. Observed: 5 variant alleles, 5 heterozygotes.
Comment: This missense variant replaces arginine with histidine at codon 635 of the RET protein. Computational prediction suggests that this variant may not impact protein structure and function (internally defined REVEL score threshold <= 0.5, PMID: 27666373). To our knowledge, functional studies have not been reported for this variant. This variant has not been reported as germline mutations in individuals affected with autosomal-dominant RET-related cancer in the literature. This variant has been identified in 8/247664 chromosomes in the general population by the Genome Aggregation Database (gnomAD). The available evidence is insufficient to determine the role of this variant in disease conclusively. Therefore, this variant is classified as a Variant of Uncertain Significance.

This study involves interpretation of variants in research participants for the purpose of population health screening. Participant phenotype was not available at the time of variant classification. Additional details can be found in publication PMID: 35346344, PMCID: PMC8962531

Fulgent Genetics
Classification: Uncertain significance for Hirschsprung disease, susceptibility to, 1; Familial medullary thyroid carcinoma; Multiple endocrine neoplasia type 2B; Pheochromocytoma; Multiple endocrine neoplasia type 2A. Last evaluated: 2024-06-14. Review status: criteria provided, single submitter. Criteria: ACMG Guidelines, 2015. Collection method: clinical testing. Allele origin: germline.

St. Jude Molecular Pathology, St. Jude Children's Research Hospital
Classification: Uncertain significance for Multiple endocrine neoplasia type 2A. Last evaluated: 2024-03-22. Review status: criteria provided, single submitter. Criteria: St. Jude Assertion Criteria 2020. Collection method: clinical testing. Allele origin: germline.
Comment: The RET c.1904G>A (p.Arg635His) missense change has a maximum subpopulation frequency of 0.006% in gnomAD v2.1.1. The in silico tool REVEL is inconclusive about a pathogenic or benign effect of this variant on protein function, and to our knowledge functional studies have not been performed. To our knowledge, this variant has not been reported in the literature in individuals with multiple endocrine neoplasia type II. In summary, the evidence currently available is insufficient to determine the clinical significance of this variant. It has therefore been classified as of uncertain significance.